The following is an entry in ClinVar:

NM_152618.3(BBS12):c.1287_1290del (p.Lys430fs)

Gene: BBS12 (Bardet-Biedl syndrome 12; plus strand). Cytogenetic location: 4q27.
Variant type: Deletion.
Coding change: c.1287_1290del on transcript NM_152618.3 (MANE Select); coding-DNA positions 1287 to 1290, 4 bases deleted (TAAG; older notation c.1287_1290delTAAG).
Protein change: p.Lys430fs; shifts the reading frame from lysine 430.
Molecular consequence: frameshift variant.
Genome position (GRCh38, 1-based): chr4:122,743,179-122,743,182, TAAG deleted; deleting any 4 consecutive bases within chr4:122,743,177-122,743,182 gives the same sequence; the c. name uses the placement nearest the transcript's 3' end. VCF-style (leftmost placement, unchanged base first): chr4-122743176-CAGTA-C. GRCh37 (hg19) VCF-style: chr4-123664331-CAGTA-C.
Other names: c.1287_1290del, p.Lys430fs (NM_001178007.2); short protein forms K430fs.
Identifiers: ClinVar variation 553411 (VCV000553411.16), dbSNP rs766741204, ClinGen allele CA3069414.

ClinVar aggregate classification (germline): Pathogenic/Likely pathogenic. Review status: criteria provided, multiple submitters, no conflicts (2 of 4 stars). 6 submissions from 6 submitters: Pathogenic (2); Likely pathogenic (3). 1 of the submissions does not count toward it. Last evaluated 2026-09-11.

Conditions:
BBS12-related disorder. Also called: BBS12-related condition.
Bardet-Biedl syndrome 12 (BBS12). Identifiers: Orphanet 110, MedGen C1859570, MONDO:0014440, OMIM 615989.
Bardet-Biedl syndrome (BBS). Identifiers: Orphanet 110, MedGen C0752166, MONDO:0015229.

Submissions (6):

PreventionGenetics, part of Exact Sciences
Classification: Pathogenic for BBS12-related condition. Last evaluated: 2026-09-11. Review status: criteria provided, single submitter. Criteria: ACMG Guidelines, 2015. Collection method: clinical testing. Allele origin: germline.
Comment: The BBS12 c.1287_1290delTAAG variant is predicted to result in a frameshift and premature protein termination (p.Lys430Glyfs*3). To our knowledge, this variant has not been reported in the literature. This variant is reported in 0.0062% of alleles in individuals of African descent in gnomAD and has been classified as likely pathogenic or pathogenic in ClinVar (Variation ID: 553411). Frameshift variants in BBS12 are expected to be pathogenic. This variant is interpreted as pathogenic.

Labcorp Genetics (formerly Invitae), Labcorp
Classification: Pathogenic for Bardet-Biedl syndrome. Last evaluated: 2024-10-27. Review status: criteria provided, single submitter. Criteria: Invitae Variant Classification Sherloc (09022015). Collection method: clinical testing. Allele origin: germline.
Comment: This sequence change creates a premature translational stop signal (p.Lys430Glyfs*3) in the BBS12 gene. While this is not anticipated to result in nonsense mediated decay, it is expected to disrupt the last 281 amino acid(s) of the BBS12 protein. This variant is present in population databases (rs766741204, gnomAD 0.007%). This variant has not been reported in the literature in individuals affected with BBS12-related conditions. ClinVar contains an entry for this variant (Variation ID: 553411). This variant disrupts a region of the BBS12 protein in which other variant(s) (p.Asp687Valfs*3) have been determined to be pathogenic (internal data). This suggests that this is a clinically significant region of the protein, and that variants that disrupt it are likely to be disease-causing. For these reasons, this variant has been classified as Pathogenic.

Natera, Inc.
Classification: Likely pathogenic for Bardet-Biedl syndrome type 12. Last evaluated: 2024-06-13. Review status: criteria provided, single submitter. Criteria: Natera Variant Classification Schema (03/2026). Collection method: clinical testing. Allele origin: germline.
Comment: The c.1287_1290delTAAG variant in BBS12 is a frameshift variant predicted to shift the reading frame beginning at codon 430 and leads to a stop codon 3 codons downstream. This variant is expected to result in nonsense mediated decay, truncation, or a dysfunctional protein product. This variant is rare in the general population with a frequency below the threshold expected for the associated phenotype(s). Given the available evidence, this variant is classified as Likely Pathogenic.

Fulgent Genetics
Classification: Likely pathogenic for Bardet-Biedl syndrome 12. Last evaluated: 2021-07-23. Review status: criteria provided, single submitter. Criteria: ACMG Guidelines, 2015. Collection method: clinical testing. Allele origin: unknown.

Blueprint Genetics
Classification: Likely pathogenic for BBS12-related disorders. Last evaluated: 2018-08-12. Review status: criteria provided, single submitter. Criteria: ACMG Guidelines, 2015. Collection method: clinical testing. Allele origin: germline. Affected: yes. Observed: 1 variant allele.

Counsyl
Classification: Likely pathogenic for Bardet-Biedl syndrome 12. Last evaluated: 2017-08-24. Review status: no assertion criteria provided. Collection method: clinical testing. Allele origin: unknown. Not counted in ClinVar's aggregate classification.